The following is an entry in ClinVar:

ClinVar aggregate classification (germline): Uncertain significance (1 of 4 stars; one submission).

Conditions:
Duchenne muscular dystrophy (DMD). Also called: MUSCULAR DYSTROPHY, PSEUDOHYPERTROPHIC PROGRESSIVE, DUCHENNE TYPE; Duchenne Muscular Dystrophy (DMD). Identifiers: Orphanet 98896, MedGen C0013264, MONDO:0010679, OMIM 310200.

Submission:

Labcorp Genetics (formerly Invitae), Labcorp
Classification: Uncertain significance for Duchenne muscular dystrophy. Last evaluated: 2024-04-13. Review status: criteria provided, single submitter. Criteria: Invitae Variant Classification Sherloc (09022015). Collection method: clinical testing. Allele origin: germline.
Comment: This sequence change replaces threonine, which is neutral and polar, with isoleucine, which is neutral and non-polar, at codon 193 of the DMD protein (p.Thr193Ile). This variant is present in population databases (no rsID available, gnomAD 0.001%). This variant has not been reported in the literature in individuals affected with DMD-related conditions. Advanced modeling of protein sequence and biophysical properties (such as structural, functional, and spatial information, amino acid conservation, physicochemical variation, residue mobility, and thermodynamic stability) performed at Invitae indicates that this missense variant is not expected to disrupt DMD protein function with a negative predictive value of 95%. In summary, the available evidence is currently insufficient to determine the role of this variant in disease. Therefore, it has been classified as a Variant of Uncertain Significance.

NM_004006.3(DMD):c.578C>T (p.Thr193Ile)

Gene: DMD (dystrophin; minus strand). Cytogenetic location: Xp21.1.
Variant type: single nucleotide variant.
Coding change: c.578C>T on transcript NM_004006.3 (MANE Select); coding-DNA position 578, C replaced by T.
Protein change: p.Thr193Ile; replaces threonine 193 with isoleucine.
Molecular consequence: missense variant.
Genome position (GRCh38, 1-based): chrX:32,809,564, G>A on the plus strand (C>T on the coding strand, the complement: DMD is on the minus strand). VCF-style: chrX-32809564-G-A. GRCh37 (hg19) VCF-style: chrX-32827681-G-A.
Other names: c.554C>T, p.Thr185Ile (NM_000109.4); c.566C>T, p.Thr189Ile (NM_004009.3); c.209C>T, p.Thr70Ile (NM_004010.3); short protein forms T193I, T70I, T185I, T189I.
Identifiers: ClinVar variation 3672582 (VCV003672582.2).